The following is an entry in ClinVar:

NM_001277115.2(DNAH11):c.5094+1G>T

Gene: DNAH11 (dynein axonemal heavy chain 11; plus strand). Cytogenetic location: 7p15.3.
Variant type: single nucleotide variant.
Coding change: c.5094+1G>T on transcript NM_001277115.2 (MANE Select); the canonical splice donor site of the intron after coding-DNA position 5094, G replaced by T.
Molecular consequence: splice donor variant.
Genome position (GRCh38, 1-based): chr7:21,655,982, G>T. VCF-style: chr7-21655982-G-T. GRCh37 (hg19) VCF-style: chr7-21695600-G-T.
Identifiers: ClinVar variation 4804285 (VCV004804285.1).

ClinVar aggregate classification (germline): Pathogenic (1 of 4 stars; one submission).

Conditions:
Primary ciliary dyskinesia. Also called: Ciliary dyskinesia. Identifiers: Orphanet 244, MedGen C0008780, MONDO:0016575, HP:0012265.

Submission:

Labcorp Genetics (formerly Invitae), Labcorp
Classification: Pathogenic for Primary ciliary dyskinesia. Last evaluated: 2025-03-07. Review status: criteria provided, single submitter. Criteria: Invitae Variant Classification Sherloc (09022015). Collection method: clinical testing. Allele origin: germline.
Comment: This sequence change affects a donor splice site in intron 29 of the DNAH11 gene. It is expected to disrupt RNA splicing. Variants that disrupt the donor or acceptor splice site typically lead to a loss of protein function (PMID: 16199547), and loss-of-function variants in DNAH11 are known to be pathogenic (PMID: 18022865, 20513915, 22184204). This variant is not present in population databases (gnomAD no frequency). Disruption of this splice site has been observed in individual(s) with clinical features of DNAH11-related conditions (internal data). In at least one individual the data is consistent with being in trans (on the opposite chromosome) from a pathogenic variant. Algorithms developed to predict the effect of sequence changes on RNA splicing suggest that this variant may disrupt the consensus splice site. For these reasons, this variant has been classified as Pathogenic.

Literature cited by the submitters: PubMed 16199547; PubMed 18022865; PubMed 20513915; PubMed 22184204.